The following is an entry in ClinVar:

ClinVar aggregate classification (germline): Uncertain significance (1 of 4 stars; one submission).

Conditions:
HOXA2-related disorder. Also called: HOXA2-related condition.

Allele frequency attached by ClinVar (database versions not stated): TOPMed below 0.00001; ExAC 0.00001; gnomAD 0.00001; gnomAD exomes 0.00001.
gnomAD v4.1: 5 of 1,614,126 alleles (0.00031%); highest among the groups gnomAD compares: Non-Finnish European, 0.00042%; no homozygotes.

Submission:

PreventionGenetics, part of Exact Sciences
Classification: Uncertain significance for HOXA2-related condition. Last evaluated: 2023-09-25. Review status: criteria provided, single submitter. Criteria: ACMG Guidelines, 2015. Collection method: clinical testing. Allele origin: germline.
Comment: The HOXA2 c.1009T>A variant is predicted to result in the amino acid substitution p.Ser337Thr. To our knowledge, this variant has not been reported in the literature. This variant is reported in 0.0018% of alleles in individuals of European (Non-Finnish) descent in gnomAD. At this time, the clinical significance of this variant is uncertain due to the absence of conclusive functional and genetic evidence.

NM_006735.4(HOXA2):c.1009T>A (p.Ser337Thr)

Gene: HOXA2 (homeobox A2; minus strand). Cytogenetic location: 7p15.2.
Variant type: single nucleotide variant.
Coding change: c.1009T>A on transcript NM_006735.4 (MANE Select); coding-DNA position 1009, T replaced by A.
Protein change: p.Ser337Thr; replaces serine 337 with threonine.
Molecular consequence: missense variant.
Genome position (GRCh38, 1-based): chr7:27,100,848, A>T on the plus strand (T>A on the coding strand, the complement: HOXA2 is on the minus strand). VCF-style: chr7-27100848-A-T. GRCh37 (hg19) VCF-style: chr7-27140467-A-T.
Other names: short protein forms S337T.
Identifiers: ClinVar variation 2636376 (VCV002636376.1), dbSNP rs755516097, ClinGen allele CA4196088.